The following is an entry in ClinVar:

ClinVar aggregate classification (germline): Uncertain significance (1 of 4 stars; one submission).

Conditions:
Holoprosencephaly 3 (HPE3). Identifiers: Orphanet 2162, MedGen C1840529, MONDO:0007733, OMIM 142945.

Submission:

Illumina Laboratory Services, Illumina
Classification: Uncertain significance for Holoprosencephaly 3. Last evaluated: 2019-07-24. Review status: criteria provided, single submitter. Criteria: ICSLVariantClassificationCriteria RUGD 01 April 2020. Collection method: clinical testing. Allele origin: unknown.
Comment: The SHH c.121C>G (p.Pro41Ala) variant is a missense variant. A literature search was performed for the gene, cDNA change, and amino acid change. No publications were found based on this search. This variant is absent from the Genome Aggregation Database in a region of good sequencing coverage; it is therefore presumed to be rare. It is not found in a known functional domain but is located just outside the Cardin-Weintroub motif (Bosanac et al. 2009). Pro41 is a well-conserved residue, and multiple in silico tools predict the variant to have a deleterious effect. However, functional studies of this variant have not been conducted to confirm these predictions. Based on the limited evidence available, the p.Pro41Ala variant is classified as a variant of uncertain significance for holoprosencephaly 3.

Literature cited by the submitters: PubMed 19561609.

NM_000193.4(SHH):c.121C>G (p.Pro41Ala)

Gene: SHH (sonic hedgehog signaling molecule; minus strand). Cytogenetic location: 7q36.3.
Variant type: single nucleotide variant.
Coding change: c.121C>G on transcript NM_000193.4 (MANE Select); coding-DNA position 121, C replaced by G.
Protein change: p.Pro41Ala; replaces proline 41 with alanine.
Molecular consequence: missense variant.
Genome position (GRCh38, 1-based): chr7:155,812,002, G>C on the plus strand (C>G on the coding strand, the complement: SHH is on the minus strand). VCF-style: chr7-155812002-G-C. GRCh37 (hg19) VCF-style: chr7-155604696-G-C.
Other names: short protein forms P41A.
Identifiers: ClinVar variation 989342 (VCV000989342.4), dbSNP rs1803533139, ClinGen allele CA370152128.